The following is an entry in ClinVar:

NM_000540.3(RYR1):c.199G>A (p.Val67Ile)

Gene: RYR1 (ryanodine receptor 1; plus strand). Cytogenetic location: 19q13.2.
Variant type: single nucleotide variant.
Coding change: c.199G>A on transcript NM_000540.3 (MANE Select); coding-DNA position 199, G replaced by A.
Protein change: p.Val67Ile; replaces valine 67 with isoleucine.
Molecular consequence: missense variant.
Genome position (GRCh38, 1-based): chr19:38,442,382, G>A. VCF-style: chr19-38442382-G-A. GRCh37 (hg19) VCF-style: chr19-38933022-G-A.
Other names: c.199G>A, p.Val67Ile (NM_001042723.2); short protein forms V67I.
Identifiers: ClinVar variation 697293 (VCV000697293.16), dbSNP rs761182247, ClinGen allele CA062736.

ClinVar aggregate classification (germline): Conflicting classifications of pathogenicity. Review status: criteria provided, conflicting classifications (1 of 4 stars). 5 submissions from 4 submitters: Uncertain significance (3); Likely benign (2). Last evaluated 2025-09-14.

Conditions:
RYR1-related disorder. Also called: RYR1-related condition; RYR1-related disorders. Identifiers: MedGen CN239331.
Congenital multicore myopathy with external ophthalmoplegia (CMYO1B). Also called: MULTIMINICORE DISEASE WITH EXTERNAL OPHTHALMOPLEGIA; Congenital myopathy 1B, autosomal recessive; Minicore myopathy; MULTICORE MYOPATHY; Minicore myopathy with external ophthalmoplegia. Identifiers: Orphanet 598, Orphanet 98905, MedGen C1850674, MONDO:0009712, OMIM 255320, HP:0003789.
Malignant hyperthermia, susceptibility to, 1 (MHS1). Also called: Anesthesia related hyperthermia; Malignant hyperpyrexia; Fulminating hyperpyrexia; Pharmacogenic myopathy; Malignant hyperthermia suceptibility 1; RYR1-Related Malignant Hyperthermia Susceptibility. Identifiers: Orphanet 423, MedGen C2930980, MONDO:0007783, OMIM 145600.

Allele frequency attached by ClinVar (database versions not stated): gnomAD 0.00001 and 0.00003; TOPMed 0.00004; gnomAD exomes 0.00008 and 0.00016; ExAC 0.00009.
gnomAD v4.1: 120 of 1,613,202 alleles (0.0074%); highest among the groups gnomAD compares: South Asian, 0.085%; 2 homozygotes.

Submissions (5):

Labcorp Genetics (formerly Invitae), Labcorp
Classification: Likely benign for RYR1-related disorder. Last evaluated: 2025-09-14. Review status: criteria provided, single submitter. Criteria: Invitae Variant Classification Sherloc (09022015). Collection method: clinical testing. Allele origin: germline.

Color Diagnostics, LLC DBA Color Health
Classification: Likely benign for Malignant hyperthermia, susceptibility to, 1. Last evaluated: 2024-07-18. Review status: criteria provided, single submitter. Criteria: ACMG Guidelines, 2015. Collection method: clinical testing. Allele origin: germline.

All of Us Research Program, National Institutes of Health
Classification: Uncertain significance for Malignant hyperthermia, susceptibility to, 1. Last evaluated: 2024-01-11. Review status: criteria provided, single submitter. Criteria: ACMG Guidelines, 2015. Collection method: clinical testing. Allele origin: germline. Inheritance: Autosomal dominant inheritance. Observed: 14 variant alleles, 14 heterozygotes.
Comment: This missense variant replaces valine with isoleucine at codon 67 of the RYR1 protein. Computational prediction suggests that this variant may not impact protein structure and function (internally defined REVEL score threshold <= 0.5, PMID: 27666373). To our knowledge, functional studies have not been reported for this variant. This variant has not been reported in individuals affected with RYR1-related disorders in the literature. This variant has been identified in 40/251198 chromosomes in the general population by the Genome Aggregation Database (gnomAD). The available evidence is insufficient to determine the role of this variant in disease conclusively. Therefore, this variant is classified as a Variant of Uncertain Significance.

This study involves interpretation of variants in research participants for the purpose of population health screening. Participant phenotype was not available at the time of variant classification. Additional details can be found in publication PMID: 35346344, PMCID: PMC8962531

Illumina Laboratory Services, Illumina
Classification: Uncertain significance for Congenital multicore myopathy with external ophthalmoplegia. Last evaluated: 2018-01-13. Review status: criteria provided, single submitter. Criteria: ICSL Variant Classification Criteria 13 December 2019. Collection method: clinical testing. Allele origin: germline.

Illumina Laboratory Services, Illumina
Classification: Uncertain significance for Malignant hyperthermia, susceptibility to, 1. Last evaluated: 2018-01-13. Review status: criteria provided, single submitter. Criteria: ICSL Variant Classification Criteria 13 December 2019. Collection method: clinical testing. Allele origin: germline.